The following is an entry in ClinVar:

ClinVar aggregate classification (germline): Uncertain significance (1 of 4 stars; one submission).

Allele frequency attached by ClinVar (database versions not stated): TOPMed below 0.00001.

Submission:

Ambry Genetics
Classification: Uncertain significance. Last evaluated: 2022-08-17. Review status: criteria provided, single submitter. Criteria: Ambry Variant Classification Scheme 2023. Collection method: clinical testing. Allele origin: germline.
Comment: The p.R808T variant (also known as c.2423G>C), located in coding exon 15 of the POLQ gene, results from a G to C substitution at nucleotide position 2423. The arginine at codon 808 is replaced by threonine, an amino acid with similar properties. This amino acid position is conserved. In addition, this alteration is predicted to be deleterious by in silico analysis. Since supporting evidence is limited at this time, the clinical significance of this alteration remains unclear.

NM_199420.4(POLQ):c.2423G>C (p.Arg808Thr)

Gene: POLQ (DNA polymerase theta; minus strand). Cytogenetic location: 3q13.33.
Variant type: single nucleotide variant.
Coding change: c.2423G>C on transcript NM_199420.4 (MANE Select); coding-DNA position 2423, G replaced by C.
Protein change: p.Arg808Thr; replaces arginine 808 with threonine.
Molecular consequence: missense variant.
Genome position (GRCh38, 1-based): chr3:121,493,577, C>G on the plus strand (G>C on the coding strand, the complement: POLQ is on the minus strand). VCF-style: chr3-121493577-C-G. GRCh37 (hg19) VCF-style: chr3-121212424-C-G.
Other names: short protein forms R808T.
Identifiers: ClinVar variation 1791049 (VCV001791049.2), dbSNP rs2048089093, ClinGen allele CA354107767.